The following is an entry in ClinVar:

NM_001378454.1(ALMS1):c.5570C>G (p.Ser1857Cys)

Gene: ALMS1 (ALMS1 centrosome and basal body associated protein; plus strand). Cytogenetic location: 2p13.1.
Variant type: single nucleotide variant.
Coding change: c.5570C>G on transcript NM_001378454.1 (MANE Select); coding-DNA position 5570, C replaced by G.
Protein change: p.Ser1857Cys; replaces serine 1857 with cysteine.
Molecular consequence: missense variant.
Genome position (GRCh38, 1-based): chr2:73,452,097, C>G. VCF-style: chr2-73452097-C-G. GRCh37 (hg19) VCF-style: chr2-73679224-C-G.
Other names: c.5573C>G, p.Ser1858Cys (NM_015120.4); short protein forms S1858C, S1857C.
Identifiers: ClinVar variation 558198 (VCV000558198.3), dbSNP rs375354717, ClinGen allele CA50396815.
Genomic context (GRCh38, chr2:73,452,097, plus strand): 5'-CTGACCAGAAGACTGGAATAAACATCCTGCCCTCTAATTCCTACCCACAGAGAGAGCACT[C>G]TGTCATTTCTTATGAGCAGGAGTTGCCAGATCTTACTGAAGTAACTTTGAAAGCAATAGG-3'
Protein context (NP_001365383.1, residues 1847-1867): PSNSYPQREH[Ser1857Cys]VISYEQELPD

ClinVar aggregate classification (germline): Uncertain significance. Review status: criteria provided, single submitter (1 of 4 stars). 2 submissions from 2 submitters: Uncertain significance (1). 1 of the submissions does not count toward it. Last evaluated 2025-06-06.

Conditions:
Cardiovascular phenotype. Identifiers: MedGen CN230736.
Alstrom syndrome (ALMS). Identifiers: Orphanet 64, MedGen C0268425, MONDO:0008763, OMIM 203800.

Allele frequency attached by ClinVar (database versions not stated): TOPMed below 0.00001; ESP Exome Variant Server 0.00008.
gnomAD v4.1: 38 of 1,614,026 alleles (0.0024%); highest among the groups gnomAD compares: Non-Finnish European, 0.0031%; no homozygotes.

Submissions (2):

Ambry Genetics
Classification: Uncertain significance for Cardiovascular phenotype. Last evaluated: 2025-06-06. Review status: criteria provided, single submitter. Criteria: Ambry Variant Classification Scheme 2023. Collection method: clinical testing. Allele origin: germline.
Comment: The p.S1858C variant (also known as c.5573C>G), located in coding exon 8 of the ALMS1 gene, results from a C to G substitution at nucleotide position 5573. The serine at codon 1858 is replaced by cysteine, an amino acid with dissimilar properties. This amino acid position is poorly conserved in available vertebrate species. In addition, this alteration is predicted to be tolerated by in silico analysis. Based on the available evidence, the clinical significance of this variant remains unclear.

Counsyl
Classification: Uncertain significance for Alstrom syndrome. Last evaluated: 2018-05-04. Review status: no assertion criteria provided. Collection method: clinical testing. Allele origin: unknown. Not counted in ClinVar's aggregate classification.